The following is an entry in ClinVar:

NM_000181.4(GUSB):c.1741G>A (p.Val581Met)

Gene: GUSB (glucuronidase beta; minus strand). Cytogenetic location: 7q11.21.
Variant type: single nucleotide variant.
Coding change: c.1741G>A on transcript NM_000181.4 (MANE Select); coding-DNA position 1741, G replaced by A.
Protein change: p.Val581Met; replaces valine 581 with methionine.
Molecular consequence: missense variant. On other transcripts: non-coding transcript variant (1).
Genome position (GRCh38, 1-based): chr7:65,964,371, C>T on the plus strand (G>A on the coding strand, the complement: GUSB is on the minus strand). VCF-style: chr7-65964371-C-T. GRCh37 (hg19) VCF-style: chr7-65429358-C-T.
Other names: c.1303G>A, p.Val435Met (NM_001284290.2); c.1171G>A, p.Val391Met (NM_001293104.2); c.1084G>A, p.Val362Met (NM_001293105.2); c.1741G>A (NM_000181.3); short protein forms V362M, V391M, V435M, V581M.
Identifiers: ClinVar variation 1018363 (VCV001018363.8), dbSNP rs150304382, ClinGen allele CA4276197.
Genomic context (GRCh38, chr7:65,964,371, plus strand): 5'-ACTGCCACTTACACTGTTCAGTCATGAAATCGGCAAAATTCCAAATGAGCTCTCCAACCA[C>T]GTATTTTCTGCGTTTTTGATCCAGACCCAGATGGTACTGCTCTAGCAGACTTTTCTGGTA-3'
Protein context (NP_000172.2, residues 571-591): LGLDQKRRKY[Val581Met]VGELIWNFAD

ClinVar aggregate classification (germline): Uncertain significance. Review status: criteria provided, multiple submitters, no conflicts (2 of 4 stars). 2 submissions from 2 submitters: Uncertain significance (2). Last evaluated 2025-06-07.

Conditions:
Mucopolysaccharidosis type 7 (MPS7). Also called: SLY SYNDROME; MPS VII; BETA-GLUCURONIDASE DEFICIENCY; GUSB DEFICIENCY. Identifiers: Orphanet 584, MedGen C0085132, MONDO:0009662, OMIM 253220.
Inborn genetic diseases. Identifiers: MedGen C0950123, MeSH D030342.

Allele frequency attached by ClinVar (database versions not stated): gnomAD 0.00001; gnomAD exomes 0.00001 and 0.00002; TOPMed 0.00001; ExAC 0.00003; ESP Exome Variant Server 0.00008.
gnomAD v4.1: 19 of 1,611,768 alleles (0.0012%); highest among the groups gnomAD compares: Middle Eastern, 0.022%; no homozygotes.

Submissions (2):

Ambry Genetics
Classification: Uncertain significance for Inborn genetic diseases. Last evaluated: 2025-06-07. Review status: criteria provided, single submitter. Criteria: Ambry Variant Classification Scheme 2023. Collection method: clinical testing. Allele origin: germline.

Labcorp Genetics (formerly Invitae), Labcorp
Classification: Uncertain significance for Mucopolysaccharidosis type 7. Last evaluated: 2021-09-02. Review status: criteria provided, single submitter. Criteria: Invitae Variant Classification Sherloc (09022015). Collection method: clinical testing. Allele origin: germline.
Comment: This sequence change replaces valine with methionine at codon 581 of the GUSB protein (p.Val581Met). The valine residue is highly conserved and there is a small physicochemical difference between valine and methionine. This variant is present in population databases (rs150304382, ExAC 0.01%). This variant has not been reported in the literature in individuals affected with GUSB-related conditions. Algorithms developed to predict the effect of missense changes on protein structure and function are either unavailable or do not agree on the potential impact of this missense change (SIFT: "Deleterious"; PolyPhen-2: "Possibly Damaging"; Align-GVGD: "Class C0"). In summary, the available evidence is currently insufficient to determine the role of this variant in disease. Therefore, it has been classified as a Variant of Uncertain Significance.